The following is an entry in ClinVar:

ClinVar aggregate classification (germline): Uncertain significance (1 of 4 stars; one submission).

Conditions:
Oto-palato-digital syndrome, type II (OPD2). Also called: FACIOPALATOOSSEOUS SYNDROME; OPD II SYNDROME; Otopalatodigital Syndrome, Type II; Otopalatodigital Syndrome Type 2 (FLNA-OPD2). Identifiers: Orphanet 669, Orphanet 90652, MedGen C1844696, MONDO:0010571, OMIM 304120.
Heterotopia, periventricular, X-linked dominant (PVNH1). Also called: PERIVENTRICULAR NODULAR HETEROTOPIA 1; X-linked periventricular heterotopia; PERIVENTRICULAR NODULAR HETEROTOPIA 4; HETEROTOPIA, PERIVENTRICULAR, 1. Identifiers: Orphanet 2149, Orphanet 82004, MedGen C1848213, MONDO:0010233, OMIM 300049.
Frontometaphyseal dysplasia (FMD1). Identifiers: Orphanet 1826, MedGen C0265293, MONDO:0015942.
Melnick-Needles syndrome (MNS). Also called: MELNICK-NEEDLES OSTEODYSPLASTY; OSTEODYSPLASTY OF MELNICK AND NEEDLES; Melnick-Needles Syndrome (FLNA-MNS). Identifiers: Orphanet 2484, MedGen C0025237, MONDO:0010650, OMIM 309350.

Submission:

Labcorp Genetics (formerly Invitae), Labcorp
Classification: Uncertain significance for Oto-palato-digital syndrome, type II; Heterotopia, periventricular, X-linked dominant; Frontometaphyseal dysplasia; Melnick-Needles syndrome. Last evaluated: 2023-05-11. Review status: criteria provided, single submitter. Criteria: Invitae Variant Classification Sherloc (09022015). Collection method: clinical testing. Allele origin: germline.
Comment: This sequence change replaces glycine, which is neutral and non-polar, with aspartic acid, which is acidic and polar, at codon 571 of the FLNA protein (p.Gly571Asp). In summary, the available evidence is currently insufficient to determine the role of this variant in disease. Therefore, it has been classified as a Variant of Uncertain Significance. Algorithms developed to predict the effect of sequence changes on RNA splicing suggest that this variant may create or strengthen a splice site. Advanced modeling of protein sequence and biophysical properties (such as structural, functional, and spatial information, amino acid conservation, physicochemical variation, residue mobility, and thermodynamic stability) performed at Invitae indicates that this missense variant is not expected to disrupt FLNA protein function. This variant has not been reported in the literature in individuals affected with FLNA-related conditions. This variant is not present in population databases (gnomAD no frequency).

NM_001110556.2(FLNA):c.1712G>A (p.Gly571Asp)

Gene: FLNA (filamin A; minus strand). Cytogenetic location: Xq28.
Variant type: single nucleotide variant.
Coding change: c.1712G>A on transcript NM_001110556.2 (MANE Select); coding-DNA position 1712, G replaced by A.
Protein change: p.Gly571Asp; replaces glycine 571 with aspartic acid.
Molecular consequence: missense variant.
Genome position (GRCh38, 1-based): chrX:154,364,937, C>T on the plus strand (G>A on the coding strand, the complement: FLNA is on the minus strand). VCF-style: chrX-154364937-C-T. GRCh37 (hg19) VCF-style: chrX-153593305-C-T.
Other names: c.1712G>A, p.Gly571Asp (NM_001456.4); short protein forms G571D.
Identifiers: ClinVar variation 2947654 (VCV002947654.3), dbSNP rs2522756074, ClinGen allele CA415242798.